The following is an entry in ClinVar:

NM_012144.4(DNAI1):c.845C>A (p.Ala282Asp)

Gene: DNAI1 (dynein axonemal intermediate chain 1; plus strand). Cytogenetic location: 9p13.3.
Variant type: single nucleotide variant.
Coding change: c.845C>A on transcript NM_012144.4 (MANE Select); coding-DNA position 845, C replaced by A.
Protein change: p.Ala282Asp; replaces alanine 282 with aspartic acid.
Molecular consequence: missense variant.
Genome position (GRCh38, 1-based): chr9:34,497,143, C>A. VCF-style: chr9-34497143-C-A. GRCh37 (hg19) VCF-style: chr9-34497141-C-A.
Other names: c.857C>A, p.Ala286Asp (NM_001281428.2); short protein forms A286D, A282D.
Identifiers: ClinVar variation 2137575 (VCV002137575.1), dbSNP rs1367711266, ClinGen allele CA373250950.

ClinVar aggregate classification (germline): Uncertain significance (1 of 4 stars; one submission).

Conditions:
Primary ciliary dyskinesia. Also called: Ciliary dyskinesia. Identifiers: Orphanet 244, MedGen C0008780, MONDO:0016575, HP:0012265.

Allele frequency attached by ClinVar (database versions not stated): gnomAD exomes 0.00001.
gnomAD v4.1: 16 of 1,614,132 alleles (0.00099%); highest among the groups gnomAD compares: Admixed American, 0.0017%; no homozygotes.

Submission:

Labcorp Genetics (formerly Invitae), Labcorp
Classification: Uncertain significance for Primary ciliary dyskinesia. Last evaluated: 2022-03-15. Review status: criteria provided, single submitter. Criteria: Invitae Variant Classification Sherloc (09022015). Collection method: clinical testing. Allele origin: germline.
Comment: This sequence change replaces alanine, which is neutral and non-polar, with aspartic acid, which is acidic and polar, at codon 282 of the DNAI1 protein (p.Ala282Asp). This variant is present in population databases (no rsID available, gnomAD no frequency). This variant has not been reported in the literature in individuals affected with DNAI1-related conditions. Algorithms developed to predict the effect of missense changes on protein structure and function are either unavailable or do not agree on the potential impact of this missense change (SIFT: "Deleterious"; PolyPhen-2: "Probably Damaging"; Align-GVGD: "Class C0"). In summary, the available evidence is currently insufficient to determine the role of this variant in disease. Therefore, it has been classified as a Variant of Uncertain Significance.